The following is an entry in ClinVar:

NM_000031.6(ALAD):c.445C>T (p.Arg149Trp)

Gene: ALAD (aminolevulinate dehydratase; minus strand). Cytogenetic location: 9q32.
Variant type: single nucleotide variant.
Coding change: c.445C>T on transcript NM_000031.6 (MANE Select); coding-DNA position 445, C replaced by T.
Protein change: p.Arg149Trp; replaces arginine 149 with tryptophan.
Molecular consequence: missense variant.
Genome position (GRCh38, 1-based): chr9:113,390,629, G>A on the plus strand (C>T on the coding strand, the complement: ALAD is on the minus strand). VCF-style: chr9-113390629-G-A. GRCh37 (hg19) VCF-style: chr9-116152909-G-A.
Other names: c.532C>T, p.Arg178Trp (NM_001003945.3); c.421C>T, p.Arg141Trp (NM_001317745.2); short protein forms R141W, R149W, R178W.
Identifiers: ClinVar variation 4776248 (VCV004776248.1).

ClinVar aggregate classification (germline): Uncertain significance (1 of 4 stars; one submission).

gnomAD v4.1: 2 of 1,614,150 alleles (0.00012%); highest among the groups gnomAD compares: South Asian, 0.0011%; no homozygotes.

Submission:

Labcorp Genetics (formerly Invitae), Labcorp
Classification: Uncertain significance. Last evaluated: 2026-01-13. Review status: criteria provided, single submitter. Criteria: Invitae Variant Classification Sherloc (09022015). Collection method: clinical testing. Allele origin: germline.
Comment: This sequence change replaces arginine, which is basic and polar, with tryptophan, which is neutral and slightly polar, at codon 149 of the ALAD protein (p.Arg149Trp). This variant is not present in population databases (gnomAD no frequency). This variant has not been reported in the literature in individuals affected with ALAD-related conditions. Invitae Evidence Modeling of protein sequence and biophysical properties (such as structural, functional, and spatial information, amino acid conservation, physicochemical variation, residue mobility, and thermodynamic stability) indicates that this missense variant is expected to disrupt ALAD protein function with a positive predictive value of 80%. In summary, the available evidence is currently insufficient to determine the role of this variant in disease. Therefore, it has been classified as a Variant of Uncertain Significance.